The following is an entry in ClinVar:

ClinVar aggregate classification (germline): Uncertain significance (1 of 4 stars; one submission).

Conditions:
Cardiovascular phenotype. Identifiers: MedGen CN230736.

Submission:

Ambry Genetics
Classification: Uncertain significance for Cardiovascular phenotype. Last evaluated: 2025-08-28. Review status: criteria provided, single submitter. Criteria: Ambry Variant Classification Scheme 2023. Collection method: clinical testing. Allele origin: germline.
Comment: The p.R1278L variant (also known as c.3833G>T), located in coding exon 9 of the TNXB gene, results from a G to T substitution at nucleotide position 3833. The arginine at codon 1278 is replaced by leucine, an amino acid with dissimilar properties. This amino acid position is conserved. In addition, this alteration is predicted to be tolerated by in silico analysis. Based on the available evidence, the clinical significance of this variant remains unclear.

NM_001365276.2(TNXB):c.3833G>T (p.Arg1278Leu)

Gene: TNXB (tenascin XB; minus strand). Cytogenetic location: 6p21.33.
Variant type: single nucleotide variant.
Coding change: c.3833G>T on transcript NM_001365276.2 (MANE Select); coding-DNA position 3833, G replaced by T.
Protein change: p.Arg1278Leu; replaces arginine 1278 with leucine.
Molecular consequence: missense variant.
Genome position (GRCh38, 1-based): chr6:32,081,577, C>A on the plus strand (G>T on the coding strand, the complement: TNXB is on the minus strand). VCF-style: chr6-32081577-C-A. GRCh37 (hg19) VCF-style: chr6-32049354-C-A.
Other names: c.4574G>T, p.Arg1525Leu (NM_001428335.1); c.3833G>T, p.Arg1278Leu (NM_019105.8); short protein forms R1278L, R1525L.
Identifiers: ClinVar variation 3972099 (VCV003972099.2).
Genomic context (GRCh38, chr6:32,081,577, plus strand): 5'-GCATCCTTGTACTGGACCATGAATGAGTCGAAGGGGCCCTGGGCCACTGTCCATGAGAGA[C>A]GCAAGGAGTCTGGGGTCACGCCGGTCACTGTCAGTTCCCCCAGGAGGGGCTGCTCCAGGA-3'
Protein context (NP_001352205.1, residues 1268-1288): TVTGVTPDSL[Arg1278Leu]LSWTVAQGPF